The following is an entry in ClinVar:

ClinVar aggregate classification (germline): Benign (3 of 4 stars; one submission).

Conditions:
Breast-ovarian cancer, familial, susceptibility to, 1 (BROVCA1). Also called: BRCA1 Hereditary Breast and Ovarian Cancer; OVARIAN CANCER, SUSCEPTIBILITY TO. Identifiers: Orphanet 145, MedGen C2676676, MONDO:0011450, OMIM 604370. Disease mechanism: loss of function.

Allele frequency attached by ClinVar (database versions not stated): TOPMed 0.00170; gnomAD 0.00173 and 0.00176; 1000 Genomes Project 0.00379; 1000 Genomes Project 30x 0.00406.
gnomAD v4.1: 260 of 151,024 alleles (0.17%); highest among the groups gnomAD compares: African/African-American, 0.57%; 3 homozygotes.

Submission:

Evidence-based Network for the Interpretation of Germline Mutant Alleles (ENIGMA)
Classification: Benign for Breast-ovarian cancer, familial 1. Last evaluated: 2015-01-12. Review status: reviewed by expert panel. Criteria: ENIGMA BRCA1/2 Classification Criteria (2015). Collection method: curation. Allele origin: germline.
Comment: Class 1 not pathogenic based on frequency >1% in an outbred sampleset. Frequency 0.01016 (African), derived from 1000 genomes (2012-04-30).

NM_007294.4(BRCA1):c.547+1209G>A

Gene: BRCA1 (BRCA1 DNA repair associated; minus strand). Cytogenetic location: 17q21.31.
Variant type: single nucleotide variant.
Coding change: c.547+1209G>A on transcript NM_007294.4 (MANE Select); 1209 bases into the intron after coding-DNA position 547, G replaced by A.
Molecular consequence: intron variant.
Genome position (GRCh38, 1-based): chr17:43,098,566, C>T on the plus strand (G>A on the coding strand, the complement: BRCA1 is on the minus strand). VCF-style: chr17-43098566-C-T. GRCh37 (hg19) VCF-style: chr17-41250583-C-T.
Other names: IVS 8+1209G>A; c.337+1209G>A (NM_001407884.1, NM_001408482.1, NM_001407900.1 and 37 more transcripts); c.538+1209G>A (NM_001407646.1, NM_001408408.1, NM_001407647.1); c.544+1209G>A (NM_001408445.1, NM_001408432.1, NM_001407689.1 and 65 more transcripts); c.547+1209G>A (NM_001408443.1, NM_001408439.1, NM_001408425.1 and 96 more transcripts); c.166+1209G>A (NM_001407965.1, NM_001407959.1, NM_001408512.1 and 3 more transcripts); c.403+1209G>A (NM_001407930.1, NM_001407843.1, NM_001408465.1 and 35 more transcripts); c.406+1209G>A (NM_001408456.1, NM_001407733.1, NM_001407942.1 and 61 more transcripts); and 6 more.
Identifiers: ClinVar variation 209457 (VCV000209457.2), dbSNP rs181936042, ClinGen allele CA276428.